The following is an entry in ClinVar:

NM_001384474.1(LOXHD1):c.458G>A (p.Arg153His)

Gene: LOXHD1 (lipoxygenase homology PLAT domains 1; minus strand). Cytogenetic location: 18q21.1.
Variant type: single nucleotide variant.
Coding change: c.458G>A on transcript NM_001384474.1 (MANE Select); coding-DNA position 458, G replaced by A.
Protein change: p.Arg153His; replaces arginine 153 with histidine.
Molecular consequence: missense variant.
Genome position (GRCh38, 1-based): chr18:46,639,669, C>T on the plus strand (G>A on the coding strand, the complement: LOXHD1 is on the minus strand). VCF-style: chr18-46639669-C-T. GRCh37 (hg19) VCF-style: chr18-44219632-C-T.
Other names: c.458G>A, p.Arg153His (NM_144612.7); short protein forms R153H.
Identifiers: ClinVar variation 666850 (VCV000666850.9), dbSNP rs778691392, ClinGen allele CA8952922.
Genomic context (GRCh38, chr18:46,639,669, plus strand): 5'-CACTGACCTCTGGGCATGTCCATGGGGTTGAAGCTGGCCAGCAGGTCACGGCACCACTGG[C>T]GGTCACCTTCCACCTTGCTCAGCCAGTTGTTGCAGTTGAAGTAGTAACGGAGATGAGGCC-3'
Protein context (NP_001371403.1, residues 143-163): NNWLSKVEGD[Arg153His]QWCRDLLASF

ClinVar aggregate classification (germline): Uncertain significance. Review status: criteria provided, multiple submitters, no conflicts (2 of 4 stars). 4 submissions from 4 submitters: Uncertain significance (3). 1 of the submissions does not count toward it. Last evaluated 2025-09-10.

Conditions:
Autosomal recessive nonsyndromic hearing loss 77. Identifiers: Orphanet 90636, MedGen C2746083, MONDO:0013119, OMIM 613079.
Inborn genetic diseases. Identifiers: MedGen C0950123, MeSH D030342.

Allele frequency attached by ClinVar (database versions not stated): gnomAD 0.00001; gnomAD exomes 0.00002; TOPMed 0.00002; ExAC 0.00005.
gnomAD v4.1: 37 of 1,551,598 alleles (0.0024%); highest among the groups gnomAD compares: Middle Eastern, 0.05%; no homozygotes.

Submissions (4):

Ambry Genetics
Classification: Uncertain significance for Inborn genetic diseases. Last evaluated: 2025-09-10. Review status: criteria provided, single submitter. Criteria: Ambry Variant Classification Scheme 2023. Collection method: clinical testing. Allele origin: germline.

Laboratory for Molecular Medicine, Mass General Brigham Personalized Medicine
Classification: Uncertain significance. Last evaluated: 2018-09-12. Review status: criteria provided, single submitter. Criteria: LMM Criteria. Collection method: clinical testing. Allele origin: germline. Observed: 1 variant allele.
Comment: The p.Arg153His variant in LOXHD1 has not been previously reported in individual s with hearing loss but has been identified in 3/57886 of European chromosomes b y the Genome Aggregation Database (gnomAD). C omputational prediction tools and conservation analysis do not provide strong su pport for or against an impact to the protein. In summary, the clinical signific ance of the p.Arg153His variant is uncertain. ACMG/AMP Criteria applied: PM2.

Breakthrough Genomics
Classification: Uncertain significance. Review status: criteria provided, single submitter. Criteria: ACMG Guidelines, 2015. Collection method: not provided. Allele origin: germline. Inheritance: Autosomal recessive inheritance. Affected: yes.

Natera, Inc.
Classification: Uncertain significance for Autosomal recessive deafness type 77. Last evaluated: 2020-03-10. Review status: no assertion criteria provided. Collection method: clinical testing. Allele origin: germline. Not counted in ClinVar's aggregate classification.